The following is an entry in ClinVar:

ClinVar aggregate classification (germline): Uncertain significance. Review status: criteria provided, multiple submitters, no conflicts (2 of 4 stars). 2 submissions from 2 submitters: Uncertain significance (2). Last evaluated 2025-08-21.

Conditions:
POLD1-related polyposis and colorectal cancer syndrome (CRCS10). Also called: Colorectal cancer 10; COLORECTAL CANCER, SUSCEPTIBILITY TO, ON CHROMOSOME 19q; Colorectal cancer, susceptibility to, 10. Identifiers: Orphanet 220460, MedGen C2675481, MONDO:0012953, OMIM 612591.
Hereditary cancer-predisposing syndrome. Also called: Tumor predisposition; Hereditary Cancer Syndrome; Hereditary neoplastic syndrome; Neoplastic Syndromes, Hereditary. Identifiers: Orphanet 140162, MedGen C0027672, MeSH D009386, MONDO:0015356.

Allele frequency attached by ClinVar (database versions not stated): gnomAD exomes below 0.00001; TOPMed below 0.00001; ExAC 0.00001; gnomAD 0.00001; 1000 Genomes Project 30x 0.00016; 1000 Genomes Project 0.00020.

Submissions (2):

Ambry Genetics
Classification: Uncertain significance for Hereditary cancer-predisposing syndrome. Last evaluated: 2025-08-21. Review status: criteria provided, single submitter. Criteria: Ambry Variant Classification Scheme 2023. Collection method: clinical testing. Allele origin: germline.
Comment: The p.R465Q variant (also known as c.1394G>A), located in coding exon 11 of the POLD1 gene, results from a G to A substitution at nucleotide position 1394. The arginine at codon 465 is replaced by glutamine, an amino acid with highly similar properties. This amino acid position is highly conserved in available vertebrate species. In addition, this alteration is predicted to be tolerated by in silico analysis. Based on the available evidence, the clinical significance of this variant remains unclear.

Labcorp Genetics (formerly Invitae), Labcorp
Classification: Uncertain significance for POLD1-related polyposis and colorectal cancer syndrome. Last evaluated: 2024-07-16. Review status: criteria provided, single submitter. Criteria: Invitae Variant Classification Sherloc (09022015). Collection method: clinical testing. Allele origin: germline.
Comment: This sequence change replaces arginine, which is basic and polar, with glutamine, which is neutral and polar, at codon 465 of the POLD1 protein (p.Arg465Gln). The frequency data for this variant in the population databases is considered unreliable, as metrics indicate poor data quality at this position in the gnomAD database. This variant has not been reported in the literature in individuals affected with POLD1-related conditions. ClinVar contains an entry for this variant (Variation ID: 486080). Advanced modeling of protein sequence and biophysical properties (such as structural, functional, and spatial information, amino acid conservation, physicochemical variation, residue mobility, and thermodynamic stability) has been performed at Invitae for this missense variant, however the output from this modeling did not meet the statistical confidence thresholds required to predict the impact of this variant on POLD1 protein function. RNA analysis performed to evaluate the impact of this missense change on mRNA splicing indicates it does not significantly alter splicing (Invitae). In summary, the available evidence is currently insufficient to determine the role of this variant in disease. Therefore, it has been classified as a Variant of Uncertain Significance.

NM_002691.4(POLD1):c.1394G>A (p.Arg465Gln)

Gene: POLD1 (DNA polymerase delta 1, catalytic subunit; plus strand). Cytogenetic location: 19q13.33.
Variant type: single nucleotide variant.
Coding change: c.1394G>A on transcript NM_002691.4 (MANE Select); coding-DNA position 1394, G replaced by A.
Protein change: p.Arg465Gln; replaces arginine 465 with glutamine.
Molecular consequence: missense variant. On other transcripts: non-coding transcript variant (1).
Genome position (GRCh38, 1-based): chr19:50,406,417, G>A. VCF-style: chr19-50406417-G-A. GRCh37 (hg19) VCF-style: chr19-50909674-G-A.
Other names: c.1394G>A, p.Arg465Gln (NM_001256849.1, NM_001308632.1); short protein forms R465Q.
Identifiers: ClinVar variation 486080 (VCV000486080.13), dbSNP rs199700312, ClinGen allele CA9596135.
Genomic context (GRCh38, chr19:50,406,417, plus strand): 5'-GGAAGGCCACTGCCCAGGCCCGCAGCCCACCAGCCCACCCACCCACCTAGGTGCTGCTGC[G>A]GGAGTACAAGCTCCGCTCCTACACGCTCAATGCCGTGAGCTTCCACTTCCTGGGCGAGCA-3'
Protein context (NP_002682.2, residues 455-475): VQMDMLQVLL[Arg465Gln]EYKLRSYTLN